The following is an entry in ClinVar:

NM_001128225.3(SLC39A13):c.1037C>T (p.Pro346Leu)

Gene: SLC39A13 (solute carrier family 39 member 13; plus strand). Cytogenetic location: 11p11.2.
Variant type: single nucleotide variant.
Coding change: c.1037C>T on transcript NM_001128225.3 (MANE Select); coding-DNA position 1037, C replaced by T.
Protein change: p.Pro346Leu; replaces proline 346 with leucine.
Molecular consequence: missense variant. On other transcripts: 3 prime UTR variant (1), non-coding transcript variant (1).
Genome position (GRCh38, 1-based): chr11:47,415,156, C>T. VCF-style: chr11-47415156-C-T. GRCh37 (hg19) VCF-style: chr11-47436707-C-T.
Other names: c.*34C>T (NM_001330245.2); c.1016C>T, p.Pro339Leu (NM_152264.5); short protein forms P339L, P346L.
Identifiers: ClinVar variation 383728 (VCV000383728.57), dbSNP rs35978122, ClinGen allele CA5976030.

ClinVar aggregate classification (germline): Conflicting classifications of pathogenicity. Review status: criteria provided, conflicting classifications (1 of 4 stars). 5 submissions from 5 submitters: Uncertain significance (2); Benign (1); Likely benign (1). 1 of the submissions does not count toward it. Last evaluated 2026-02-02.

Conditions:
Ehlers-Danlos syndrome, spondylodysplastic type, 3. Also called: Ehlers-Danlos syndrome, spondylocheirodysplastic type. Identifiers: Orphanet 157965, MedGen C2676510, MONDO:0012873, OMIM 612350.
SLC39A13-related disorder. Also called: SLC39A13-related condition.

Allele frequency attached by ClinVar (database versions not stated): gnomAD exomes 0.00065; ExAC 0.00082; 1000 Genomes Project 0.00160; 1000 Genomes Project 30x 0.00172; ESP Exome Variant Server 0.00185; gnomAD 0.00248 and 0.00270; TOPMed 0.00303.
gnomAD v4.1: 741 of 1,611,532 alleles (0.046%); highest among the groups gnomAD compares: African/African-American, 0.81%; 2 homozygotes.

Submissions (5):

Labcorp Genetics (formerly Invitae), Labcorp
Classification: Benign for Ehlers-Danlos syndrome, spondylodysplastic type, 3. Last evaluated: 2026-02-02. Review status: criteria provided, single submitter. Criteria: Invitae Variant Classification Sherloc (09022015). Collection method: clinical testing. Allele origin: germline.

Women's Health and Genetics/Laboratory Corporation of America, LabCorp
Classification: Likely benign. Last evaluated: 2025-10-27. Review status: criteria provided, single submitter. Criteria: LabCorp Variant Classification Summary - May 2015. Collection method: clinical testing. Allele origin: germline.
Comment: Variant summary: SLC39A13 c.1016C>T (p.Pro339Leu) results in a non-conservative amino acid change in the encoded protein sequence. Algorithms developed to predict the effect of missense changes on protein structure and function are either unavailable or do not agree on the potential impact of this missense change. The variant allele was found at a frequency of 0.00065 in 243612 control chromosomes, predominantly at a frequency of 0.0079 within the African or African-American subpopulation in the gnomAD database. The observed variant frequency within African or African-American control individuals in the gnomAD database exceeds the estimated maximal expected allele frequency for disease-causing variants in SLC39A13. To our knowledge, no occurrence of c.1016C>T in individuals affected with SLC39A13-related conditions and no experimental evidence demonstrating its impact on protein function have been reported. ClinVar contains an entry for this variant (Variation ID: 383728). Based on the evidence outlined above, the variant was classified as likely benign.

GeneDx
Classification: Uncertain significance. Last evaluated: 2024-09-16. Review status: criteria provided, single submitter. Criteria: GeneDx Variant Classification Process June 2021. Collection method: clinical testing. Allele origin: germline. Affected: yes.
Comment: Has not been previously reported as pathogenic or benign in association with spondylodysplastic Ehlers-Danlos syndrome (spEDS) to our knowledge; In silico analysis supports that this missense variant has a deleterious effect on protein structure/function; This variant is associated with the following publications: (PMID: 27211562, 26091878)

CeGaT Center for Human Genetics Tuebingen
Classification: Uncertain significance. Last evaluated: 2018-10-01. Review status: criteria provided, single submitter. Criteria: CeGaT Center For Human Genetics Tuebingen Variant Classification Criteria Version 2. Collection method: clinical testing. Allele origin: germline. Affected: yes. Observed: 1 variant allele.

PreventionGenetics, part of Exact Sciences
Classification: Benign for SLC39A13-related condition. Last evaluated: 2019-08-13. Review status: no assertion criteria provided. Collection method: clinical testing. Allele origin: germline. Not counted in ClinVar's aggregate classification.
Comment: This variant is classified as benign based on ACMG/AMP sequence variant interpretation guidelines (Richards et al. 2015 PMID: 25741868, with internal and published modifications).